The following is an entry in ClinVar:

ClinVar aggregate classification (germline): Pathogenic (1 of 4 stars; one submission).

Conditions:
X-linked agammaglobulinemia with growth hormone deficiency (IGHD3). Also called: FLEISHER SYNDROME; HYPOGAMMAGLOBULINEMIA AND ISOLATED GROWTH HORMONE DEFICIENCY, X-LINKED; IGHD III; ISOLATED GROWTH HORMONE DEFICIENCY, TYPE III, WITH AGAMMAGLOBULINEMIA; AGAMMAGLOBULINEMIA AND ISOLATED GROWTH HORMONE DEFICIENCY, X-LINKED; Isolated growth hormone deficiency type 3. Identifiers: Orphanet 231692, Orphanet 631, MedGen C0472813, MONDO:0010615, OMIM 307200.

Submission:

Labcorp Genetics (formerly Invitae), Labcorp
Classification: Pathogenic for X-linked agammaglobulinemia with growth hormone deficiency. Last evaluated: 2019-08-30. Review status: criteria provided, single submitter. Criteria: Invitae Variant Classification Sherloc (09022015). Collection method: clinical testing. Allele origin: germline.
Comment: For these reasons, this variant has been classified as Pathogenic. Donor and acceptor splice site variants typically lead to a loss of protein function (PMID: 16199547), and loss-of-function variants in BTK are known to be pathogenic (PMID: 15661032, 16862044, 19419768). Algorithms developed to predict the effect of sequence changes on RNA splicing suggest that this variant may disrupt the consensus splice site, but this prediction has not been confirmed by published transcriptional studies. This variant has been observed in individuals affected with X-linked agammaglobulinemia (PMID: 16943681, 17765309). This variant is also known as IVS14-1G>A in the literature. This variant is not present in population databases (ExAC no frequency). This sequence change affects an acceptor splice site in intron 14 of the BTK gene. It is expected to disrupt RNA splicing and likely results in an absent or disrupted protein product.

Literature cited by the submitters: PubMed 16199547; PubMed 15661032; PubMed 16862044; PubMed 19419768; PubMed 16943681; PubMed 17765309.

NM_000061.3(BTK):c.1350-1G>A

Gene: BTK (Bruton tyrosine kinase; minus strand). Cytogenetic location: Xq22.1.
Variant type: single nucleotide variant.
Coding change: c.1350-1G>A on transcript NM_000061.3 (MANE Select); the canonical splice acceptor site of the intron before coding-DNA position 1350, G replaced by A.
Molecular consequence: splice acceptor variant. On other transcripts: intron variant (1).
Genome position (GRCh38, 1-based): chrX:101,356,269, C>T on the plus strand (G>A on the coding strand, the complement: BTK is on the minus strand). VCF-style: chrX-101356269-C-T. GRCh37 (hg19) VCF-style: chrX-100611257-C-T.
Other names: c.1452-1G>A (NM_001287344.2); c.1039-1575G>A (NM_001287345.2).
Identifiers: ClinVar variation 934932 (VCV000934932.10), dbSNP rs1926477495, ClinGen allele CA413924676.